The following is an entry in ClinVar:

NM_000372.5(TYR):c.1366+1G>T

Gene: TYR (tyrosinase; plus strand). Cytogenetic location: 11q14.3.
Variant type: single nucleotide variant.
Coding change: c.1366+1G>T on transcript NM_000372.5 (MANE Select); the canonical splice donor site of the intron after coding-DNA position 1366, G replaced by T.
Molecular consequence: splice donor variant.
Genome position (GRCh38, 1-based): chr11:89,284,955, G>T. VCF-style: chr11-89284955-G-T. GRCh37 (hg19) VCF-style: chr11-89018123-G-T.
Other names: c.1366+1G>T (NM_000372.4).
Identifiers: ClinVar variation 1381832 (VCV001381832.12), dbSNP rs369610829, ClinGen allele CA6221416.

ClinVar aggregate classification (germline): Pathogenic/Likely pathogenic. Review status: criteria provided, multiple submitters, no conflicts (2 of 4 stars). 6 submissions from 6 submitters: Pathogenic (3); Likely pathogenic (3). Last evaluated 2026-03-20.

Conditions:
SKIN/HAIR/EYE PIGMENTATION 3, LIGHT/DARK SKIN (SHEP3). Also called: EYE COLOR 1; EYE COLOR, GREEN/BLUE; SKIN/HAIR/EYE PIGMENTATION, VARIATION IN, 3; SKIN/HAIR/EYE PIGMENTATION 3, BLUE/GREEN EYE COLOR; SKIN/HAIR/EYE PIGMENTATION 3, FRECKLING. Identifiers: MedGen C2677190, OMIM 601800.
Oculocutaneous albinism type 1A (OCA1A). Also called: Albinism, oculocutaneous, type IA. Identifiers: Orphanet 352731, Orphanet 79431, MedGen C4551504, MONDO:0008745, OMIM 203100. Disease mechanism: loss of function.
Oculocutaneous albinism type 1B (OCA1B). Also called: ALBINISM, OCULOCUTANEOUS, TYPE IB; YELLOW ALBINISM; ALBINISM, YELLOW MUTANT TYPE. Identifiers: Orphanet 352731, Orphanet 352737, Orphanet 79434, MedGen C1847024, MONDO:0011749, OMIM 606952.
TYR-related disorder. Also called: TYR-related condition.

Allele frequency attached by ClinVar (database versions not stated): gnomAD exomes 0.00002; ExAC 0.00003.
gnomAD v4.1: 15 of 1,610,366 alleles (0.00093%); highest among the groups gnomAD compares: African/African-American, 0.012%; no homozygotes.

Submissions (6):

GeneDx
Classification: Pathogenic. Last evaluated: 2026-03-20. Review status: criteria provided, single submitter. Criteria: GeneDx Variant Classification Process June 2021. Collection method: clinical testing. Allele origin: germline.
Comment: Canonical splice site variant predicted to result in a null allele in a gene for which loss of function is a known mechanism of disease; Identified in a patient with albinism who possessed a second TYR variant in published literature (PMID: 39201349); This variant is associated with the following publications: (PMID: 39201349, 25577957)

Labcorp Genetics (formerly Invitae), Labcorp
Classification: Pathogenic. Last evaluated: 2025-11-10. Review status: criteria provided, single submitter. Criteria: Invitae Variant Classification Sherloc (09022015). Collection method: clinical testing. Allele origin: germline.
Comment: This sequence change affects a donor splice site in intron 4 of the TYR gene. While this variant is not anticipated to result in nonsense mediated decay, it likely alters RNA splicing and results in a disrupted protein product. This variant is present in population databases (rs369610829, gnomAD 0.03%). This variant has not been reported in the literature in individuals affected with TYR-related conditions. ClinVar contains an entry for this variant (Variation ID: 1381832). Variants that disrupt the consensus splice site are a relatively common cause of aberrant splicing (PMID: 17576681, 9536098). Algorithms developed to predict the effect of sequence changes on RNA splicing suggest that this variant may disrupt the consensus splice site. This variant disrupts a region of the TYR protein in which other variant(s) (p.Ala490Cysfs*20) have been determined to be pathogenic (PMID: 1642278, 1711223, 13680365, 18463683, 29345414). This suggests that this is a clinically significant region of the protein, and that variants that disrupt it are likely to be disease-causing. For these reasons, this variant has been classified as Pathogenic.

PreventionGenetics, part of Exact Sciences
Classification: Pathogenic for TYR-related condition. Last evaluated: 2025-07-08. Review status: criteria provided, single submitter. Criteria: ACMG Guidelines, 2015. Collection method: clinical testing. Allele origin: germline.
Comment: The TYR c.1366+1G>T variant is predicted to disrupt the GT donor site and interfere with normal splicing. To our knowledge, this variant has not been reported in the literature. A different variant of this same nucleotide (c.1366+1G>A) has been reported in an individual with oculocutaneous albinism (Rooryck et al. 2008. PubMed ID: 18821858). This variant is present in 0.024% of alleles in individuals of African descent in gnomAD. Variants that disrupt the consensus splice donor site in TYR are an established mechanism of disease. Given the evidence, we interpret this variant as pathogenic.

Fulgent Genetics
Classification: Likely pathogenic for Oculocutaneous albinism type 1A; SKIN/HAIR/EYE PIGMENTATION 3, LIGHT/DARK SKIN; Oculocutaneous albinism type 1B. Last evaluated: 2024-04-22. Review status: criteria provided, single submitter. Criteria: ACMG Guidelines, 2015. Collection method: clinical testing. Allele origin: germline.

Baylor Genetics
Classification: Likely pathogenic for SKIN/HAIR/EYE PIGMENTATION 3, LIGHT/DARK SKIN. Last evaluated: 2023-09-22. Review status: criteria provided, single submitter. Criteria: ACMG Guidelines, 2015. Collection method: clinical testing. Allele origin: unknown.

Blueprint Genetics
Classification: Likely pathogenic for TYR-related disorders. Last evaluated: 2022-09-09. Review status: criteria provided, single submitter. Criteria: ACMG Guidelines, 2015. Collection method: clinical testing. Allele origin: germline. Affected: yes. Observed: 1 variant allele.

Literature cited by the submitters: PubMed 17576681 (cited by Labcorp Genetics (formerly Invitae), Labcorp); PubMed 9536098 (cited by Labcorp Genetics (formerly Invitae), Labcorp); PubMed 1642278 (cited by Labcorp Genetics (formerly Invitae), Labcorp); PubMed 1711223 (cited by Labcorp Genetics (formerly Invitae), Labcorp); PubMed 13680365 (cited by Labcorp Genetics (formerly Invitae), Labcorp); PubMed 18463683 (cited by Labcorp Genetics (formerly Invitae), Labcorp); PubMed 29345414 (cited by Labcorp Genetics (formerly Invitae), Labcorp).